The following is an entry in ClinVar:

NM_006015.6(ARID1A):c.5114A>G (p.Asn1705Ser)

Gene: ARID1A (AT-rich interaction domain 1A; plus strand). Cytogenetic location: 1p36.11.
Variant type: single nucleotide variant.
Coding change: c.5114A>G on transcript NM_006015.6 (MANE Select); coding-DNA position 5114, A replaced by G.
Protein change: p.Asn1705Ser; replaces asparagine 1705 with serine.
Molecular consequence: missense variant.
Genome position (GRCh38, 1-based): chr1:26,775,697, A>G. VCF-style: chr1-26775697-A-G. GRCh37 (hg19) VCF-style: chr1-27102188-A-G.
Other names: c.5114A>G (LRG_875t1); c.4463A>G, p.Asn1488Ser (NM_139135.4); short protein forms N1705S, N1488S.
Identifiers: ClinVar variation 126311 (VCV000126311.19), dbSNP rs61756316, ClinGen allele CA151026.

ClinVar aggregate classification (germline): Benign. Review status: criteria provided, multiple submitters, no conflicts (2 of 4 stars). 6 submissions from 6 submitters: Benign (4). 2 of the submissions do not count toward it. Last evaluated 2026-01-28.

Conditions:
Intellectual disability, autosomal dominant 14 (CSS2). Also called: COFFIN-SIRIS SYNDROME 2. Identifiers: Orphanet 1465, MedGen C3553247, MONDO:0013819, OMIM 614607.

Allele frequency attached by ClinVar (database versions not stated): gnomAD exomes 0.00292 and 0.00698; ExAC 0.00852; 1000 Genomes Project 0.02576; 1000 Genomes Project 30x 0.02733; TOPMed 0.02832; ESP Exome Variant Server 0.02868.
gnomAD v4.1: 8,278 of 1,614,174 alleles (0.51%); highest among the groups gnomAD compares: African/African-American, 8.8%; 323 homozygotes.

Submissions (6):

Labcorp Genetics (formerly Invitae), Labcorp
Classification: Benign. Last evaluated: 2026-01-28. Review status: criteria provided, single submitter. Criteria: Invitae Variant Classification Sherloc (09022015). Collection method: clinical testing. Allele origin: germline.

Genome-Nilou Lab
Classification: Benign for Intellectual disability, autosomal dominant 14. Last evaluated: 2021-12-05. Review status: criteria provided, single submitter. Criteria: ACMG Guidelines, 2015. Collection method: clinical testing. Allele origin: germline. Affected: no.

GeneDx
Classification: Benign. Last evaluated: 2018-10-05. Review status: criteria provided, single submitter. Criteria: GeneDx Variant Classification Process June 2021. Collection method: clinical testing. Allele origin: germline. Affected: yes.

Breakthrough Genomics
Classification: Benign. Review status: criteria provided, single submitter. Criteria: ACMG Guidelines, 2015. Collection method: not provided. Allele origin: germline. Inheritance: Autosomal dominant inheritance. Affected: yes.

ITMI
No classification provided. Condition: AllHighlyPenetrant. Last evaluated: 2013-09-19. Review status: no classification provided. Collection method: reference population. Allele origin: germline. Not counted in ClinVar's aggregate classification.
Comment: Please see associated publication for description of ethnicities

Genetic Services Laboratory, University of Chicago
Classification: Likely benign for AllHighlyPenetrant. Review status: no assertion criteria provided. Collection method: clinical testing. Allele origin: germline. Inheritance: Autosomal dominant inheritance. Observed: 3 variant alleles. Not counted in ClinVar's aggregate classification.
Comment: Likely benign based on allele frequency in 1000 Genomes Project or ESP global frequency and its presence in a patient with a rare or unrelated disease phenotype. NOT Sanger confirmed.

Literature cited by the submitters: PubMed 24728327 (cited by ITMI).